The following is an entry in ClinVar:

NM_000179.3(MSH6):c.2813A>T (p.Asp938Val)

Gene: MSH6 (mutS homolog 6; plus strand). Cytogenetic location: 2p16.3.
Variant type: single nucleotide variant.
Coding change: c.2813A>T on transcript NM_000179.3 (MANE Select); coding-DNA position 2813, A replaced by T.
Protein change: p.Asp938Val; replaces aspartic acid 938 with valine.
Molecular consequence: missense variant. On other transcripts: non-coding transcript variant (5), intron variant (2).
Genome position (GRCh38, 1-based): chr2:47,800,796, A>T. VCF-style: chr2-47800796-A-T. GRCh37 (hg19) VCF-style: chr2-48027935-A-T.
Other names: c.2423A>T, p.Asp808Val (NM_001281492.2); c.1907A>T, p.Asp636Val (NM_001281493.2, NM_001281494.2, NM_001406812.1 and 6 more transcripts); c.2909A>T, p.Asp970Val (NM_001406795.1, NM_001406802.1); c.2813A>T, p.Asp938Val (NM_001406796.1, NM_001406798.1, NM_001406800.1 and 2 more transcripts); c.2516A>T, p.Asp839Val (NM_001406797.1, NM_001406818.1, NM_001406819.1 and 10 more transcripts); c.2288A>T, p.Asp763Val (NM_001406799.1, NM_001406806.1, NM_001406807.1); c.2819A>T, p.Asp940Val (NM_001406813.1); c.2308+505A>T (NM_001406803.1); and 4 more; short protein forms D253V, D912V, D636V, D839V, D938V, D882V, D940V, D763V.
Identifiers: ClinVar variation 4111181 (VCV004111181.1).
Genomic context (GRCh38, chr2:47,800,796, plus strand): 5'-ATGAAAAGGCTCGAAAGACTGGACTTATTACTCCCAAAGCAGGCTTTGACTCTGATTATG[A>T]CCAAGCTCTTGCTGACATAAGAGAAAATGAACAGAGCCTCCTGGAATACCTAGAGAAACA-3'
Protein context (NP_000170.1, residues 928-948): TPKAGFDSDY[Asp938Val]QALADIRENE

ClinVar aggregate classification (germline): Uncertain significance (1 of 4 stars; one submission).

Conditions:
Hereditary cancer-predisposing syndrome. Also called: Tumor predisposition; Neoplastic Syndromes, Hereditary; Hereditary neoplastic syndrome; Hereditary Cancer Syndrome. Identifiers: Orphanet 140162, MedGen C0027672, MeSH D009386, MONDO:0015356.

Submission:

Ambry Genetics
Classification: Uncertain significance for Hereditary cancer-predisposing syndrome. Last evaluated: 2025-07-29. Review status: criteria provided, single submitter. Criteria: Ambry Variant Classification Scheme 2023. Collection method: clinical testing. Allele origin: germline.
Comment: The p.D938V variant (also known as c.2813A>T), located in coding exon 4 of the MSH6 gene, results from an A to T substitution at nucleotide position 2813. The aspartic acid at codon 938 is replaced by valine, an amino acid with highly dissimilar properties. This amino acid position is conserved. In addition, this alteration is predicted to be deleterious by in silico analysis. Based on the available evidence, the clinical significance of this variant remains unclear.